The following is an entry in ClinVar:

NM_006035.4(CDC42BPB):c.4540CTC[1] (p.Leu1515del)

Gene: CDC42BPB (CDC42 binding protein kinase beta; minus strand). Cytogenetic location: 14q32.32.
Variant type: Microsatellite.
Coding change: c.4540CTC[1] on transcript NM_006035.4 (MANE Select); one copy of the 3-base unit CTC starting at c.4540; the reference has two copies in a row; one copy, 3 bases deleted.
Protein change: p.Leu1515del; deletes leucine 1515.
Genome position (GRCh38, 1-based): chr14:102,940,092-102,940,094, GAG deleted on the plus strand (CTC on the coding strand, the reverse complement: CDC42BPB is on the minus strand); deleting any 3 consecutive bases within chr14:102,940,092-102,940,098 gives the same sequence; the position shown is the placement nearest the transcript's 3' end. VCF-style (leftmost placement, unchanged base first): chr14-102940091-TGAG-T. GRCh37 (hg19) VCF-style: chr14-103406428-TGAG-T.
Other names: c.4462CTC[1], p.Leu1489del (NM_001411054.1); short protein forms L1489del, L1515del.
Identifiers: ClinVar variation 4537737 (VCV004537737.1).

ClinVar aggregate classification (germline): Uncertain significance (1 of 4 stars; one submission).

Submission:

GeneDx
Classification: Uncertain significance. Last evaluated: 2025-06-11. Review status: criteria provided, single submitter. Criteria: GeneDx Variant Classification Process June 2021. Collection method: clinical testing. Allele origin: germline. Affected: yes.
Comment: In-frame deletion of 1 amino acid(s) in a non-repeat region; Not observed at significant frequency in large population cohorts (gnomAD); In silico analysis supports a deleterious effect on protein structure/function; Has not been previously published as pathogenic or benign to our knowledge